The following is an entry in ClinVar:

NM_022168.4(IFIH1):c.875A>G (p.Asp292Gly)

Gene: IFIH1 (interferon induced with helicase C domain 1; minus strand). Cytogenetic location: 2q24.2.
Variant type: single nucleotide variant.
Coding change: c.875A>G on transcript NM_022168.4 (MANE Select); coding-DNA position 875, A replaced by G.
Protein change: p.Asp292Gly; replaces aspartic acid 292 with glycine.
Molecular consequence: missense variant.
Genome position (GRCh38, 1-based): chr2:162,288,355, T>C on the plus strand (A>G on the coding strand, the complement: IFIH1 is on the minus strand). VCF-style: chr2-162288355-T-C. GRCh37 (hg19) VCF-style: chr2-163144865-T-C.
Other names: short protein forms D292G.
Identifiers: ClinVar variation 1053373 (VCV001053373.9), dbSNP rs2105209194, ClinGen allele CA349005001.

ClinVar aggregate classification (germline): Uncertain significance (1 of 4 stars; one submission).

Conditions:
Singleton-Merten syndrome 1 (SGMRT1). Also called: Widened medullary cavities of bone, aortic calcification, abnormal dentition, and muscular weakness; Syndrome of widened medullary cavities of the metacarpals and phalanges, aortic calcification and abnormal dentition. Identifiers: Orphanet 85191, MedGen C4225427, MONDO:0024535, OMIM 182250.
Aicardi-Goutieres syndrome 7 (AGS7). Identifiers: Orphanet 51, MedGen C3888244, MONDO:0014367, OMIM 615846.

gnomAD v4.1: 1 of 1,609,372 alleles (0.000062%); highest among the groups gnomAD compares: Non-Finnish European, 0.000085%; no homozygotes.

Submission:

Labcorp Genetics (formerly Invitae), Labcorp
Classification: Uncertain significance for Aicardi-Goutieres syndrome 7; Singleton-Merten syndrome 1. Last evaluated: 2020-01-31. Review status: criteria provided, single submitter. Criteria: Invitae Variant Classification Sherloc (09022015). Collection method: clinical testing. Allele origin: germline.
Comment: Algorithms developed to predict the effect of missense changes on protein structure and function (SIFT, PolyPhen-2, Align-GVGD) all suggest that this variant is likely to be tolerated, but these predictions have not been confirmed by published functional studies and their clinical significance is uncertain. This variant has not been reported in the literature in individuals with IFIH1-related conditions. This variant is not present in population databases (ExAC no frequency). This sequence change replaces aspartic acid with glycine at codon 292 of the IFIH1 protein (p.Asp292Gly). The aspartic acid residue is moderately conserved and there is a moderate physicochemical difference between aspartic acid and glycine. In summary, the available evidence is currently insufficient to determine the role of this variant in disease. Therefore, it has been classified as a Variant of Uncertain Significance. Algorithms developed to predict the effect of sequence changes on RNA splicing suggest that this variant may create or strengthen a splice site, but this prediction has not been confirmed by published transcriptional studies.